The following is an entry in ClinVar:

NM_001164508.2(NEB):c.3996C>G (p.Tyr1332Ter)

Gene: NEB (nebulin; minus strand). Cytogenetic location: 2q23.3.
Variant type: single nucleotide variant.
Coding change: c.3996C>G on transcript NM_001164508.2 (MANE Select); coding-DNA position 3996, C replaced by G.
Protein change: p.Tyr1332Ter; replaces tyrosine 1332 with a stop codon.
Molecular consequence: nonsense.
Genome position (GRCh38, 1-based): chr2:151,672,672, G>C on the plus strand (C>G on the coding strand, the complement: NEB is on the minus strand). VCF-style: chr2-151672672-G-C. GRCh37 (hg19) VCF-style: chr2-152529186-G-C.
Other names: c.3996C>G, p.Tyr1332Ter (NM_001164507.2, NM_001271208.2, NM_004543.5); short protein forms Y1332*.
Identifiers: ClinVar variation 1453487 (VCV001453487.7), dbSNP rs1559093497, ClinGen allele CA348817178.

ClinVar aggregate classification (germline): Pathogenic/Likely pathogenic. Review status: criteria provided, multiple submitters, no conflicts (2 of 4 stars). 2 submissions from 2 submitters: Pathogenic (1); Likely pathogenic (1). Last evaluated 2025-11-25.

Conditions:
Arthrogryposis multiplex congenita 6. Identifiers: MedGen C5543431, MONDO:0030281, OMIM 619334.
Nemaline myopathy 2 (NEM2). Also called: Nemaline myopathy 2, autosomal recessive. Identifiers: MedGen C1850569, MONDO:0009725, OMIM 256030.

Submissions (2):

Labcorp Genetics (formerly Invitae), Labcorp
Classification: Pathogenic for Nemaline myopathy 2. Last evaluated: 2025-11-25. Review status: criteria provided, single submitter. Criteria: Invitae Variant Classification Sherloc (09022015). Collection method: clinical testing. Allele origin: germline.
Comment: This sequence change creates a premature translational stop signal (p.Tyr1332*) in the NEB gene. It is expected to result in an absent or disrupted protein product. Loss-of-function variants in NEB are known to be pathogenic (PMID: 25205138). This variant is not present in population databases (gnomAD no frequency). This premature translational stop signal has been observed in individual(s) with clinical features of congenital myopathy (PMID: 36714460). ClinVar contains an entry for this variant (Variation ID: 1453487). For these reasons, this variant has been classified as Pathogenic.

Fulgent Genetics
Classification: Likely pathogenic for Nemaline myopathy 2; Arthrogryposis multiplex congenita 6. Last evaluated: 2024-04-22. Review status: criteria provided, single submitter. Criteria: ACMG Guidelines, 2015. Collection method: clinical testing. Allele origin: germline.

Literature cited by the submitters: PubMed 25205138 (cited by Labcorp Genetics (formerly Invitae), Labcorp); PubMed 36714460 (cited by Labcorp Genetics (formerly Invitae), Labcorp).